The following is an entry in ClinVar:

NM_014254.3(RXYLT1):c.326-1G>A

Gene: RXYLT1 (ribitol xylosyltransferase 1; plus strand). Cytogenetic location: 12q14.2.
Variant type: single nucleotide variant.
Coding change: c.326-1G>A on transcript NM_014254.3 (MANE Select); the canonical splice acceptor site of the intron before coding-DNA position 326, G replaced by A.
Molecular consequence: splice acceptor variant.
Genome position (GRCh38, 1-based): chr12:63,784,969, G>A. VCF-style: chr12-63784969-G-A. GRCh37 (hg19) VCF-style: chr12-64178749-G-A.
Other names: c.-455-1G>A (NM_001278237.2).
Identifiers: ClinVar variation 2860928 (VCV002860928.3), dbSNP rs2500486509, ClinGen allele CA385584444.

ClinVar aggregate classification (germline): Likely pathogenic (1 of 4 stars; one submission).

Submission:

Labcorp Genetics (formerly Invitae), Labcorp
Classification: Likely pathogenic. Last evaluated: 2023-04-30. Review status: criteria provided, single submitter. Criteria: Invitae Variant Classification Sherloc (09022015). Collection method: clinical testing. Allele origin: germline.
Comment: In summary, the currently available evidence indicates that the variant is pathogenic, but additional data are needed to prove that conclusively. Therefore, this variant has been classified as Likely Pathogenic. Algorithms developed to predict the effect of sequence changes on RNA splicing suggest that this variant may disrupt the consensus splice site. This sequence change affects an acceptor splice site in intron 2 of the RXYLT1 gene. It is expected to disrupt RNA splicing. Variants that disrupt the donor or acceptor splice site typically lead to a loss of protein function (PMID: 16199547), and loss-of-function variants in RXYLT1 are known to be pathogenic (PMID: 23217329, 23519211, 31742715). This variant is not present in population databases (gnomAD no frequency). This variant has not been reported in the literature in individuals affected with RXYLT1-related conditions.

Literature cited by the submitters: PubMed 16199547; PubMed 23217329; PubMed 23519211; PubMed 31742715.